The following is an entry in ClinVar:

NM_001378615.1(CC2D2A):c.1354G>A (p.Asp452Asn)

Genes: CC2D2A (coiled-coil and C2 domain containing 2A; plus strand), FBXL5 (F-box and leucine rich repeat protein 5; minus strand). Cytogenetic location: 4p15.32.
Variant type: single nucleotide variant.
Coding change: c.1354G>A on transcript NM_001378615.1 (MANE Select); coding-DNA position 1354, G replaced by A.
Protein change: p.Asp452Asn; replaces aspartic acid 452 with asparagine.
Molecular consequence: missense variant.
Genome position (GRCh38, 1-based): chr4:15,527,651, G>A. VCF-style: chr4-15527651-G-A. GRCh37 (hg19) VCF-style: chr4-15529274-G-A.
Other names: c.1354G>A, p.Asp452Asn (NM_001080522.2); c.1207G>A, p.Asp403Asn (NM_001378617.1); short protein forms D403N, D452N.
Identifiers: ClinVar variation 1467064 (VCV001467064.5), dbSNP rs1443260159, ClinGen allele CA356410554.

ClinVar aggregate classification (germline): Uncertain significance (1 of 4 stars; one submission).

Conditions:
Joubert syndrome. Also called: JOUBERT-BOLTSHAUSER SYNDROME; Familial aplasia of the vermis. Identifiers: Orphanet 475, MedGen C5979921, MONDO:0018772.
Meckel-Gruber syndrome. Also called: DYSENCEPHALIA SPLANCHNOCYSTICA; GRUBER SYNDROME; Dysencephalia splachnocystica. Identifiers: Orphanet 564, MedGen C0265215, MONDO:0018921.

gnomAD v4.1: 14 of 1,601,662 alleles (0.00087%); highest among the groups gnomAD compares: Non-Finnish European, 0.0012%; no homozygotes.

Submission:

Labcorp Genetics (formerly Invitae), Labcorp
Classification: Uncertain significance for Joubert syndrome; Meckel-Gruber syndrome. Last evaluated: 2021-08-26. Review status: criteria provided, single submitter. Criteria: Invitae Variant Classification Sherloc (09022015). Collection method: clinical testing. Allele origin: germline.
Comment: This sequence change replaces aspartic acid with asparagine at codon 452 of the CC2D2A protein (p.Asp452Asn). The aspartic acid residue is moderately conserved and there is a small physicochemical difference between aspartic acid and asparagine. This variant is not present in population databases (ExAC no frequency). This variant has not been reported in the literature in individuals affected with CC2D2A-related conditions. Algorithms developed to predict the effect of missense changes on protein structure and function are either unavailable or do not agree on the potential impact of this missense change (SIFT: "Deleterious"; PolyPhen-2: "Probably Damaging"; Align-GVGD: "Class C0"). In summary, the available evidence is currently insufficient to determine the role of this variant in disease. Therefore, it has been classified as a Variant of Uncertain Significance.